The following is an entry in ClinVar:

ClinVar aggregate classification (germline): Pathogenic. Review status: criteria provided, multiple submitters, no conflicts (2 of 4 stars). 2 submissions from 2 submitters: Pathogenic (2). Last evaluated 2021-07-14.

Conditions:
Hereditary nonpolyposis colorectal neoplasms. Identifiers: MedGen C0009405, MeSH D003123.
Hereditary cancer-predisposing syndrome. Also called: Neoplastic Syndromes, Hereditary; Tumor predisposition; Hereditary Cancer Syndrome; Hereditary neoplastic syndrome. Identifiers: Orphanet 140162, MedGen C0027672, MeSH D009386, MONDO:0015356.

Submissions (2):

Ambry Genetics
Classification: Pathogenic for Hereditary cancer-predisposing syndrome. Last evaluated: 2021-07-14. Review status: criteria provided, single submitter. Criteria: Ambry Variant Classification Scheme 2023. Collection method: clinical testing. Allele origin: germline.
Comment: The c.3078dupT pathogenic mutation, located in coding exon 4 of the MSH6 gene, results from a duplication of T at nucleotide position 3078, causing a translational frameshift with a predicted alternate stop codon (p.V1027Cfs*13). This alteration is expected to result in loss of function by premature protein truncation or nonsense-mediated mRNA decay. As such, this alteration is interpreted as a disease-causing mutation.

Labcorp Genetics (formerly Invitae), Labcorp
Classification: Pathogenic for Hereditary nonpolyposis colorectal neoplasms. Last evaluated: 2018-07-03. Review status: criteria provided, single submitter. Criteria: Invitae Variant Classification Sherloc (09022015). Collection method: clinical testing. Allele origin: germline.
Comment: For these reasons, this variant has been classified as Pathogenic. Loss-of-function variants in MSH6 are known to be pathogenic (PMID: 18269114, 24362816). This variant has been observed in an individual affected with an MSH6-related cancer (PMID: 20028993). This variant is not present in population databases (ExAC no frequency). This sequence change creates a premature translational stop signal (p.Val1027Cysfs*13) in the MSH6 gene. It is expected to result in an absent or disrupted protein product.

Literature cited by the submitters: PubMed 18269114 (cited by Labcorp Genetics (formerly Invitae), Labcorp); PubMed 24362816 (cited by Labcorp Genetics (formerly Invitae), Labcorp); PubMed 20028993 (cited by Labcorp Genetics (formerly Invitae), Labcorp).

NM_000179.3(MSH6):c.3078dup (p.Val1027fs)

Gene: MSH6 (mutS homolog 6; plus strand). Cytogenetic location: 2p16.3.
Variant type: Duplication.
Coding change: c.3078dup on transcript NM_000179.3 (MANE Select); coding-DNA position 3078, one base duplicated (T; older notation c.3078dupT).
Protein change: p.Val1027fs; shifts the reading frame from valine 1027.
Molecular consequence: frameshift variant.
Genome position (GRCh38, 1-based): chr2:47,801,061, T duplicated. VCF-style (leftmost placement, unchanged base first): chr2-47801060-A-AT. GRCh37 (hg19) VCF-style: chr2-48028199-A-AT.
Other names: c.3078dupT (NM_000179.2); c.2688dup, p.Val897fs (NM_001281492.2); c.2172dup, p.Val725fs (NM_001281493.2, NM_001281494.2); short protein forms V725fs, V897fs, V1027fs.
Identifiers: ClinVar variation 648625 (VCV000648625.11), dbSNP rs1572730002, ClinGen allele CA915943940.